The following is an entry in ClinVar:

ClinVar aggregate classification (germline): Uncertain significance (1 of 4 stars; one submission).

Conditions:
Hajdu-Cheney syndrome (HJCYS). Also called: ACROOSTEOLYSIS WITH OSTEOPOROSIS AND CHANGES IN SKULL AND MANDIBLE; SERPENTINE FIBULA-POLYCYSTIC KIDNEY SYNDROME; Acroosteolysis dominant type. Identifiers: Orphanet 955, MedGen C0917715, MONDO:0007057, OMIM 102500.

Allele frequency attached by ClinVar (database versions not stated): gnomAD 0.00001; TOPMed 0.00001; ExAC 0.00002; gnomAD exomes 0.00002; ESP Exome Variant Server 0.00008.
gnomAD v4.1: 24 of 1,614,038 alleles (0.0015%); highest among the groups gnomAD compares: East Asian, 0.0022%; no homozygotes.

Submission:

Labcorp Genetics (formerly Invitae), Labcorp
Classification: Uncertain significance for Hajdu-Cheney syndrome. Last evaluated: 2022-08-08. Review status: criteria provided, single submitter. Criteria: Invitae Variant Classification Sherloc (09022015). Collection method: clinical testing. Allele origin: germline.
Comment: ClinVar contains an entry for this variant (Variation ID: 1479638). This variant has not been reported in the literature in individuals affected with NOTCH2-related conditions. This variant is present in population databases (rs138122751, gnomAD 0.006%). This sequence change replaces arginine, which is basic and polar, with glutamine, which is neutral and polar, at codon 1218 of the NOTCH2 protein (p.Arg1218Gln). In summary, the available evidence is currently insufficient to determine the role of this variant in disease. Therefore, it has been classified as a Variant of Uncertain Significance. Algorithms developed to predict the effect of missense changes on protein structure and function (SIFT, PolyPhen-2, Align-GVGD) all suggest that this variant is likely to be disruptive.

NM_024408.4(NOTCH2):c.3653G>A (p.Arg1218Gln)

Gene: NOTCH2 (notch receptor 2; minus strand). Cytogenetic location: 1p12.
Variant type: single nucleotide variant.
Coding change: c.3653G>A on transcript NM_024408.4 (MANE Select); coding-DNA position 3653, G replaced by A.
Protein change: p.Arg1218Gln; replaces arginine 1218 with glutamine.
Molecular consequence: missense variant.
Genome position (GRCh38, 1-based): chr1:119,935,474, C>T on the plus strand (G>A on the coding strand, the complement: NOTCH2 is on the minus strand). VCF-style: chr1-119935474-C-T. GRCh37 (hg19) VCF-style: chr1-120478097-C-T.
Other names: c.3653G>A, p.Arg1218Gln (NM_001200001.2); short protein forms R1218Q.
Identifiers: ClinVar variation 1479638 (VCV001479638.6), dbSNP rs138122751, ClinGen allele CA1040014.
Genomic context (GRCh38, chr1:119,935,474, plus strand): 5'-TGGATTTATAACTTAAGACAATGCCCTGGATGGAAAATGGATAAGGATGATTTCATACCC[C>T]GAGTGCCTGGTGGGCAAGAGCACTTGAAATGGTTCACAAGGTCAATACAGGTGCCTCCAT-3'
Protein context (NP_077719.2, residues 1208-1228): HFKCSCPPGT[Arg1218Gln]GLLCEENIDD